The following is an entry in ClinVar:

NM_003476.5(CSRP3):c.509-130C>T

Gene: CSRP3 (cysteine and glycine rich protein 3; minus strand). Cytogenetic location: 11p15.1.
Variant type: single nucleotide variant.
Coding change: c.509-130C>T on transcript NM_003476.5 (MANE Select); 130 bases into the intron before coding-DNA position 509, C replaced by T.
Molecular consequence: intron variant.
Genome position (GRCh38, 1-based): chr11:19,182,876, G>A on the plus strand (C>T on the coding strand, the complement: CSRP3 is on the minus strand). VCF-style: chr11-19182876-G-A. GRCh37 (hg19) VCF-style: chr11-19204423-G-A.
Other names: c.340-130C>T (NM_001369404.1).
Identifiers: ClinVar variation 673007 (VCV000673007.2), dbSNP rs72904149, ClinGen allele CA13438442.

ClinVar aggregate classification (germline): Likely benign. Review status: criteria provided, multiple submitters, no conflicts (2 of 4 stars). 2 submissions from 2 submitters: Likely benign (2). Last evaluated 2018-06-16.

Allele frequency attached by ClinVar (database versions not stated): 1000 Genomes Project 0.01318; 1000 Genomes Project 30x 0.01374; TOPMed 0.03155; gnomAD 0.03292; gnomAD exomes 0.03957.
gnomAD v4.1: 28,380 of 743,560 alleles (3.8%); highest among the groups gnomAD compares: Non-Finnish European, 5.3%; 728 homozygotes.

Submissions (2):

GeneDx
Classification: Likely benign. Last evaluated: 2018-06-16. Review status: criteria provided, single submitter. Criteria: GeneDx Variant Classification (06012015). Collection method: clinical testing. Allele origin: germline. Affected: yes.
Comment: This variant is considered likely benign or benign based on one or more of the following criteria: it is a conservative change, it occurs at a poorly conserved position in the protein, it is predicted to be benign by multiple in silico algorithms, and/or has population frequency not consistent with disease.

Breakthrough Genomics
Classification: Likely benign. Review status: criteria provided, single submitter. Criteria: ACMG Guidelines, 2015. Collection method: not provided. Allele origin: germline. Inheritance: Autosomal dominant inheritance. Affected: yes.